The following is an entry in ClinVar:

NM_001170629.2(CHD8):c.-5C>T

Gene: CHD8 (chromodomain helicase DNA binding protein 8; minus strand). Cytogenetic location: 14q11.2.
Variant type: single nucleotide variant.
Coding change: c.-5C>T on transcript NM_001170629.2 (MANE Select); 5 bases upstream of the start codon, C replaced by T.
Molecular consequence: 5 prime UTR variant. On other transcripts: intron variant (1).
Genome position (GRCh38, 1-based): chr14:21,431,648, G>A on the plus strand (C>T on the coding strand, the complement: CHD8 is on the minus strand). VCF-style: chr14-21431648-G-A. GRCh37 (hg19) VCF-style: chr14-21899807-G-A.
Other names: c.6+163C>T (NM_020920.4).
Identifiers: ClinVar variation 1750992 (VCV001750992.16), dbSNP rs759949650, ClinGen allele CA7091990.

ClinVar aggregate classification (germline): Likely benign. Review status: criteria provided, multiple submitters, no conflicts (2 of 4 stars). 3 submissions from 3 submitters: Likely benign (3). Last evaluated 2025-02-01.

Conditions:
Inborn genetic diseases. Identifiers: MedGen C0950123, MeSH D030342.

Allele frequency attached by ClinVar (database versions not stated): gnomAD 0.00005; gnomAD exomes 0.00005; ExAC 0.00010.
gnomAD v4.1: 72 of 1,547,910 alleles (0.0047%); highest among the groups gnomAD compares: Non-Finnish European, 0.0059%; no homozygotes.

Submissions (3):

CeGaT Center for Human Genetics Tuebingen
Classification: Likely benign. Last evaluated: 2025-02-01. Review status: criteria provided, single submitter. Criteria: CeGaT Center For Human Genetics Tuebingen Variant Classification Criteria Version 2. Collection method: clinical testing. Allele origin: germline. Affected: yes. Observed: 1 variant allele.
Comment: CHD8: BP4

Blueprint Genetics
Classification: Likely benign. Last evaluated: 2024-11-04. Review status: criteria provided, single submitter. Criteria: ACMG Guidelines, 2015. Collection method: clinical testing. Allele origin: germline.

Ambry Genetics
Classification: Likely benign for Inborn genetic diseases. Last evaluated: 2019-02-13. Review status: criteria provided, single submitter. Criteria: Ambry Variant Classification Scheme 2023. Collection method: clinical testing. Allele origin: germline.